The following is an entry in ClinVar:

ClinVar aggregate classification (germline): Pathogenic (1 of 4 stars; one submission).
ClinVar aggregate classification (somatic clinical impact): Tier II - Potential (1 of 4 stars; one submission).

Conditions:
Hereditary diffuse gastric adenocarcinoma (HDGC). Also called: DIFFUSE GASTRIC AND LOBULAR BREAST CANCER SYNDROME. Identifiers: Orphanet 26106, MedGen C1708349, MONDO:0007648, OMIM 137215.
Carcinoma of parotid gland. Identifiers: MedGen C0345602, MONDO:0021331.

Submissions (2):

Institute for Genomic Medicine (IGM) Clinical Laboratory, Nationwide Children's Hospital
Classification: Tier II - Potential for Carcinoma of parotid gland. Assertion type: diagnostic. Clinical significance: supports diagnosis. Last evaluated: 2025-10-02. Review status: criteria provided, single submitter. Criteria: AMP/ASCO/CAP Guidelines, 2017. Collection method: clinical testing. Allele origin: somatic. Affected: yes.
Comment: Variant has Tier II (potential) clinical significance as a diagnostic inclusion criterion in carcinoma of parotid gland, based on the following evidence: 1) Documented in one or more cancer databases (e.g., St. Jude Pecan, COSMIC, CIViC, OncoKB). 2) Information in the literature supports potential biologic effect of variant (PMIDs: 31783775, 40667170). 3) Diagnostic significance based on multiple small studies (Evidence Level C; PMIDs: 33538422, 35876752, 35794510).

European Reference Network on Genetic Tumour Risk Syndromes (ERN-GENTURIS), i3s - Instituto de Investigação e Inovação em Saúde, University of Porto
Classification: Pathogenic for Hereditary diffuse gastric adenocarcinoma. Last evaluated: 2022-08-01. Review status: criteria provided, single submitter. Criteria: Lee et al. (Hum Mutat. 2018). Collection method: clinical testing. Allele origin: germline. Inheritance: Autosomal dominant inheritance. Affected: yes. Study: ERN GENTURIS.
Comment: PVS1; PS4_Supporting; PM2 (PMID: 30311375)

Literature cited by the submitters: PubMed 31783775 (cited by Institute for Genomic Medicine (IGM) Clinical Laboratory, Nationwide Children's Hospital); PubMed 40667170 (cited by Institute for Genomic Medicine (IGM) Clinical Laboratory, Nationwide Children's Hospital); PubMed 33538422 (cited by Institute for Genomic Medicine (IGM) Clinical Laboratory, Nationwide Children's Hospital); PubMed 35876752 (cited by Institute for Genomic Medicine (IGM) Clinical Laboratory, Nationwide Children's Hospital); PubMed 35794510 (cited by Institute for Genomic Medicine (IGM) Clinical Laboratory, Nationwide Children's Hospital); PubMed 36436516 (cited by European Reference Network on Genetic Tumour Risk Syndromes (ERN-GENTURIS), i3s - Instituto de Investigação e Inovação em Saúde, University of Porto).

NM_004360.5(CDH1):c.86dup (p.His29fs)

Gene: CDH1 (cadherin 1; plus strand). Cytogenetic location: 16q22.1.
Variant type: Duplication.
Coding change: c.86dup on transcript NM_004360.5 (MANE Select); coding-DNA position 86, one base duplicated (A; older notation c.86dupA).
Protein change: p.His29fs; shifts the reading frame from histidine 29.
Molecular consequence: frameshift variant. On other transcripts: 5 prime UTR variant (2).
Genome position (GRCh38, 1-based): chr16:68,738,334, A duplicated. VCF-style (leftmost placement, unchanged base first): chr16-68738333-C-CA. GRCh37 (hg19) VCF-style: chr16-68772236-C-CA.
Other names: c.86dup, p.His29fs (NM_001317184.2); c.-1530dup (NM_001317185.2); c.-1734dup (NM_001317186.2); short protein forms H29fs.
Identifiers: ClinVar variation 2503008 (VCV002503008.2), dbSNP rs2543816786, ClinGen allele CA2580612832.